The following is an entry in ClinVar:

ClinVar aggregate classification (germline): Uncertain significance. Review status: criteria provided, single submitter (1 of 4 stars). 2 submissions from 2 submitters: Uncertain significance (1). 1 of the submissions does not count toward it. Last evaluated 2022-05-13.

Conditions:
Retinitis pigmentosa 25 (RP25). Identifiers: Orphanet 791, MedGen C1864446, MONDO:0011272, OMIM 602772.

Allele frequency attached by ClinVar (database versions not stated): gnomAD exomes 0.00001; TOPMed 0.00001.
gnomAD v4.1: 3 of 1,541,236 alleles (0.00019%); highest among the groups gnomAD compares: Admixed American, 0.006%; no homozygotes.

Submissions (2):

Labcorp Genetics (formerly Invitae), Labcorp
Classification: Uncertain significance. Last evaluated: 2022-05-13. Review status: criteria provided, single submitter. Criteria: Invitae Variant Classification Sherloc (09022015). Collection method: clinical testing. Allele origin: germline.
Comment: This sequence change replaces arginine, which is basic and polar, with lysine, which is basic and polar, at codon 1314 of the EYS protein (p.Arg1314Lys). This variant is present in population databases (no rsID available, gnomAD 0.01%). This variant has not been reported in the literature in individuals affected with EYS-related conditions. ClinVar contains an entry for this variant (Variation ID: 1052319). Algorithms developed to predict the effect of missense changes on protein structure and function (SIFT, PolyPhen-2, Align-GVGD) all suggest that this variant is likely to be tolerated. In summary, the available evidence is currently insufficient to determine the role of this variant in disease. Therefore, it has been classified as a Variant of Uncertain Significance.

Natera, Inc.
Classification: Uncertain significance for Retinitis pigmentosa type 25. Last evaluated: 2021-07-26. Review status: no assertion criteria provided. Collection method: clinical testing. Allele origin: germline. Not counted in ClinVar's aggregate classification.

NM_001142800.2(EYS):c.3941G>A (p.Arg1314Lys)

Gene: EYS (eyes shut homolog; minus strand). Cytogenetic location: 6q12.
Variant type: single nucleotide variant.
Coding change: c.3941G>A on transcript NM_001142800.2 (MANE Select); coding-DNA position 3941, G replaced by A.
Protein change: p.Arg1314Lys; replaces arginine 1314 with lysine.
Molecular consequence: missense variant.
Genome position (GRCh38, 1-based): chr6:64,591,926, C>T on the plus strand (G>A on the coding strand, the complement: EYS is on the minus strand). VCF-style: chr6-64591926-C-T. GRCh37 (hg19) VCF-style: chr6-65301819-C-T.
Other names: c.3941G>A, p.Arg1314Lys (NM_001292009.2); short protein forms R1314K.
Identifiers: ClinVar variation 1052319 (VCV001052319.3), dbSNP rs1330067403, ClinGen allele CA364784389.